The following is an entry in ClinVar:

ClinVar aggregate classification (germline): Uncertain significance (1 of 4 stars; one submission).

Allele frequency attached by ClinVar (database versions not stated): ExAC 0.00002; gnomAD 0.00002.
gnomAD v4.1: 22 of 1,614,086 alleles (0.0014%); highest among the groups gnomAD compares: Middle Eastern, 0.016%; no homozygotes.

Submission:

Labcorp Genetics (formerly Invitae), Labcorp
Classification: Uncertain significance. Last evaluated: 2025-11-05. Review status: criteria provided, single submitter. Criteria: Invitae Variant Classification Sherloc (09022015). Collection method: clinical testing. Allele origin: germline.
Comment: This sequence change replaces glycine, which is neutral and non-polar, with valine, which is neutral and non-polar, at codon 1150 of the ASXL1 protein (p.Gly1150Val). This variant is present in population databases (rs773823004, gnomAD 0.009%). This variant has not been reported in the literature in individuals affected with ASXL1-related conditions. ClinVar contains an entry for this variant (Variation ID: 2193552). An algorithm developed to predict the effect of missense changes on protein structure and function outputs the following: PolyPhen-2: "Benign". The valine amino acid residue is found in multiple mammalian species, which suggests that this missense change does not adversely affect protein function. In summary, the available evidence is currently insufficient to determine the role of this variant in disease. Therefore, it has been classified as a Variant of Uncertain Significance.

NM_015338.6(ASXL1):c.3449G>T (p.Gly1150Val)

Gene: ASXL1 (ASXL transcriptional regulator 1; plus strand). Cytogenetic location: 20q11.21.
Variant type: single nucleotide variant.
Coding change: c.3449G>T on transcript NM_015338.6 (MANE Select); coding-DNA position 3449, G replaced by T.
Protein change: p.Gly1150Val; replaces glycine 1150 with valine.
Molecular consequence: missense variant.
Genome position (GRCh38, 1-based): chr20:32,436,161, G>T. VCF-style: chr20-32436161-G-T. GRCh37 (hg19) VCF-style: chr20-31023964-G-T.
Other names: c.3266G>T, p.Gly1089Val (NM_001363734.1); short protein forms G1089V, G1150V.
Identifiers: ClinVar variation 2193552 (VCV002193552.4), dbSNP rs773823004, ClinGen allele CA9808829.
Genomic context (GRCh38, chr20:32,436,161, plus strand): 5'-TGTCAGAATCCCCACAAGTACCACTTACAAAAGACCAGAGCCATGGCTCGCTACGCATGG[G>T]ATCTTTACATGGTCTTGGAAAAAACAGTGGCATGGTTGATGGAAGCAGCCCCAGTTCTTT-3'
Protein context (NP_056153.2, residues 1140-1160): KDQSHGSLRM[Gly1150Val]SLHGLGKNSG